The following is an entry in ClinVar:

ClinVar aggregate classification (germline): Uncertain significance. Review status: criteria provided, multiple submitters, no conflicts (2 of 4 stars). 2 submissions from 2 submitters: Uncertain significance (2). Last evaluated 2025-03-15.

Conditions:
Inborn genetic diseases. Identifiers: MedGen C0950123, MeSH D030342.

Allele frequency attached by ClinVar (database versions not stated): ExAC 0.00001.

Submissions (2):

Ambry Genetics
Classification: Uncertain significance for Inborn genetic diseases. Last evaluated: 2025-03-15. Review status: criteria provided, single submitter. Criteria: Ambry Variant Classification Scheme 2023. Collection method: clinical testing. Allele origin: germline.

Labcorp Genetics (formerly Invitae), Labcorp
Classification: Uncertain significance. Last evaluated: 2023-12-14. Review status: criteria provided, single submitter. Criteria: Invitae Variant Classification Sherloc (09022015). Collection method: clinical testing. Allele origin: germline.
Comment: This sequence change replaces tryptophan, which is neutral and slightly polar, with arginine, which is basic and polar, at codon 851 of the MYO18B protein (p.Trp851Arg). This variant is not present in population databases (gnomAD no frequency). This variant has not been reported in the literature in individuals affected with MYO18B-related conditions. ClinVar contains an entry for this variant (Variation ID: 2057640). An algorithm developed to predict the effect of missense changes on protein structure and function (PolyPhen-2) suggests that this variant is likely to be tolerated. In summary, the available evidence is currently insufficient to determine the role of this variant in disease. Therefore, it has been classified as a Variant of Uncertain Significance.

NM_032608.7(MYO18B):c.2551T>A (p.Trp851Arg)

Gene: MYO18B (myosin XVIIIB; plus strand). Cytogenetic location: 22q12.1.
Variant type: single nucleotide variant.
Coding change: c.2551T>A on transcript NM_032608.7 (MANE Select); coding-DNA position 2551, T replaced by A.
Protein change: p.Trp851Arg; replaces tryptophan 851 with arginine.
Molecular consequence: missense variant.
Genome position (GRCh38, 1-based): chr22:25,823,534, T>A. VCF-style: chr22-25823534-T-A. GRCh37 (hg19) VCF-style: chr22-26219501-T-A.
Other names: c.2551T>A (NM_032608.5); c.2551T>A, p.Trp851Arg (NM_001318245.2); short protein forms W851R.
Identifiers: ClinVar variation 2057640 (VCV002057640.5), dbSNP rs768513046, ClinGen allele CA10160220.